The following is an entry in ClinVar:

NM_181552.4(CUX1):c.771C>G (p.Leu257=)

Gene: CUX1 (cut like homeobox 1; plus strand). Cytogenetic location: 7q22.1.
Variant type: single nucleotide variant.
Coding change: c.771C>G on transcript NM_181552.4 (MANE Select); coding-DNA position 771, C replaced by G.
Protein change: p.Leu257=; no amino-acid change (leucine 257 retained).
Molecular consequence: synonymous variant.
Genome position (GRCh38, 1-based): chr7:102,170,493, C>G. VCF-style: chr7-102170493-C-G. GRCh37 (hg19) VCF-style: chr7-101813773-C-G.
Other names: c.804C>G, p.Leu268= (NM_001202543.2, NM_001913.5, NM_181500.4); c.756C>G, p.Leu252= (NM_001202544.3); c.666C>G, p.Leu222= (NM_001202545.3); c.693C>G, p.Leu231= (NM_001202546.3).
Identifiers: ClinVar variation 4822340 (VCV004822340.4).
Genomic context (GRCh38, chr7:102,170,493, plus strand): 5'-TCATTTCCTTCAGAGGGCAGAGGTGGCTCAGAGAGAGGCGGAGACCTTAAGGGAACAGCT[C>G]TCATCGGCCAATCACTCCCTCCAGCTGGCCTCACAGATCCAGAAGGCACCAGACGTGGTG-3'
Protein context (NP_853530.2, residues 247-267): QREAETLREQ[Leu257=]SSANHSLQLA

ClinVar aggregate classification (germline): Likely benign (1 of 4 stars; one submission).

gnomAD v4.1: 12 of 1,594,132 alleles (0.00075%); highest among the groups gnomAD compares: Middle Eastern, 0.017%; no homozygotes.

Submission:

CeGaT Center for Human Genetics Tuebingen
Classification: Likely benign. Last evaluated: 2026-03-01. Review status: criteria provided, single submitter. Criteria: CeGaT Center For Human Genetics Tuebingen Variant Classification Criteria Version 2. Collection method: clinical testing. Allele origin: germline. Affected: yes. Observed: 1 variant allele.
Comment: CUX1: BP4, BP7